The following is an entry in ClinVar:

NM_014989.7(RIMS1):c.1088G>T (p.Arg363Leu)

Gene: RIMS1 (regulating synaptic membrane exocytosis 1; plus strand). Cytogenetic location: 6q13.
Variant type: single nucleotide variant.
Coding change: c.1088G>T on transcript NM_014989.7 (MANE Select); coding-DNA position 1088, G replaced by T.
Protein change: p.Arg363Leu; replaces arginine 363 with leucine.
Molecular consequence: missense variant.
Genome position (GRCh38, 1-based): chr6:72,182,559, G>T. VCF-style: chr6-72182559-G-T. GRCh37 (hg19) VCF-style: chr6-72892262-G-T.
Other names: c.1088G>T (NM_014989.4); short protein forms R363L.
Identifiers: ClinVar variation 851145 (VCV000851145.14), dbSNP rs371189625, ClinGen allele CA3885650.
Genomic context (GRCh38, chr6:72,182,559, plus strand): 5'-AAAAGCAAAGAAAAGAGGAGGATTATCAGACCAGGTACCGCAGCGACCCGAACCTAGCTC[G>T]GTACCCGGTGAAACCGCCGCCTGAGGAGCAGCAGATGCGCATGCACGCCCGGGTGTCCCG-3'
Protein context (NP_055804.2, residues 353-373): TRYRSDPNLA[Arg363Leu]YPVKPPPEEQ

ClinVar aggregate classification (germline): Conflicting classifications of pathogenicity. Review status: criteria provided, conflicting classifications (1 of 4 stars). 4 submissions from 4 submitters: Uncertain significance (3); Likely benign (1). Last evaluated 2025-02-24.

Conditions:
Cone-rod dystrophy 7 (CORD7). Identifiers: Orphanet 1872, MedGen C1863634, MONDO:0011355, OMIM 603649.

Allele frequency attached by ClinVar (database versions not stated): TOPMed 0.00004; ExAC 0.00005; gnomAD 0.00007; ESP Exome Variant Server 0.00008.

Submissions (4):

Labcorp Genetics (formerly Invitae), Labcorp
Classification: Uncertain significance. Last evaluated: 2025-02-24. Review status: criteria provided, single submitter. Criteria: Invitae Variant Classification Sherloc (09022015). Collection method: clinical testing. Allele origin: germline.
Comment: This sequence change replaces arginine, which is basic and polar, with leucine, which is neutral and non-polar, at codon 363 of the RIMS1 protein (p.Arg363Leu). The frequency data for this variant in the population databases is considered unreliable, as metrics indicate poor data quality at this position in the gnomAD database. This variant has not been reported in the literature in individuals affected with RIMS1-related conditions. ClinVar contains an entry for this variant (Variation ID: 851145). An algorithm developed to predict the effect of missense changes on protein structure and function (PolyPhen-2) suggests that this variant is likely to be tolerated. In summary, the available evidence is currently insufficient to determine the role of this variant in disease. Therefore, it has been classified as a Variant of Uncertain Significance.

Ambry Genetics
Classification: Uncertain significance. Last evaluated: 2024-05-14. Review status: criteria provided, single submitter. Criteria: Ambry Variant Classification Scheme 2023. Collection method: clinical testing. Allele origin: germline.

Blueprint Genetics
Classification: Likely benign. Last evaluated: 2019-11-19. Review status: criteria provided, single submitter. Criteria: ACMG Guidelines, 2015. Collection method: clinical testing. Allele origin: germline.

Illumina Laboratory Services, Illumina
Classification: Uncertain significance for Cone-rod dystrophy 7. Last evaluated: 2018-01-12. Review status: criteria provided, single submitter. Criteria: ICSL Variant Classification Criteria 13 December 2019. Collection method: clinical testing. Allele origin: germline.